The following is an entry in ClinVar:

ClinVar aggregate classification (germline): Uncertain significance (1 of 4 stars; one submission).

Conditions:
Myopathy, proximal, and ophthalmoplegia (CMYO6). Also called: CONGENITAL MYOPATHY 6 WITH OPHTHALMOPLEGIA; INCLUSION BODY MYOPATHY 3, AUTOSOMAL DOMINANT; MYOPATHY WITH CONGENITAL JOINT CONTRACTURES, OPHTHALMOPLEGIA, AND RIMMED VACUOLES. Identifiers: Orphanet 363677, Orphanet 79091, MedGen C1854106, MONDO:0011577, OMIM 605637.

Allele frequency attached by ClinVar (database versions not stated): TOPMed 0.00002; gnomAD 0.00003 and 0.00004; ESP Exome Variant Server 0.00008.
gnomAD v4.1: 45 of 1,613,840 alleles (0.0028%); highest among the groups gnomAD compares: South Asian, 0.0055%; no homozygotes.

Submission:

Labcorp Genetics (formerly Invitae), Labcorp
Classification: Uncertain significance for Myopathy, proximal, and ophthalmoplegia. Last evaluated: 2026-01-18. Review status: criteria provided, single submitter. Criteria: Invitae Variant Classification Sherloc (09022015). Collection method: clinical testing. Allele origin: germline.
Comment: This sequence change replaces threonine, which is neutral and polar, with methionine, which is neutral and non-polar, at codon 1519 of the MYH2 protein (p.Thr1519Met). This variant is present in population databases (rs138796340, gnomAD 0.01%). This variant has not been reported in the literature in individuals affected with MYH2-related conditions. ClinVar contains an entry for this variant (Variation ID: 581724). Invitae Evidence Modeling of protein sequence and biophysical properties (such as structural, functional, and spatial information, amino acid conservation, physicochemical variation, residue mobility, and thermodynamic stability) indicates that this missense variant is not expected to disrupt MYH2 protein function with a negative predictive value of 80%. In summary, the available evidence is currently insufficient to determine the role of this variant in disease. Therefore, it has been classified as a Variant of Uncertain Significance.

NM_017534.6(MYH2):c.4556C>T (p.Thr1519Met)

Genes: MYHAS (myosin heavy chain gene cluster antisense RNA; plus strand), MYH2 (myosin heavy chain 2; minus strand), LOC126862500 (BRD4-independent group 4 enhancer GRCh37_chr17:10427829-10429028; plus strand). Cytogenetic location: 17p13.1.
Variant type: single nucleotide variant.
Coding change: c.4556C>T on transcript NM_017534.6 (MANE Select); coding-DNA position 4556, C replaced by T.
Protein change: p.Thr1519Met; replaces threonine 1519 with methionine.
Molecular consequence: missense variant.
Genome position (GRCh38, 1-based): chr17:10,525,330, G>A on the plus strand (C>T on the coding strand, the complement: MYH2 is on the minus strand). VCF-style: chr17-10525330-G-A. GRCh37 (hg19) VCF-style: chr17-10428647-G-A.
Other names: c.4556C>T, p.Thr1519Met (NM_001100112.2); short protein forms T1519M.
Identifiers: ClinVar variation 581724 (VCV000581724.6), dbSNP rs138796340, ClinGen allele CA8390591.